The following is an entry in ClinVar:

NM_001256789.3(CACNA1F):c.2045C>A (p.Thr682Asn)

Gene: CACNA1F (calcium voltage-gated channel subunit alpha1 F; minus strand). Cytogenetic location: Xp11.23.
Variant type: single nucleotide variant.
Coding change: c.2045C>A on transcript NM_001256789.3 (MANE Select); coding-DNA position 2045, C replaced by A.
Protein change: p.Thr682Asn; replaces threonine 682 with asparagine.
Molecular consequence: missense variant.
Genome position (GRCh38, 1-based): chrX:49,222,969, G>T on the plus strand (C>A on the coding strand, the complement: CACNA1F is on the minus strand). VCF-style: chrX-49222969-G-T. GRCh37 (hg19) VCF-style: chrX-49079428-G-T.
Other names: c.1883C>A, p.Thr628Asn (NM_001256790.3); c.2078C>A, p.Thr693Asn (NM_005183.4); short protein forms T693N, T628N, T682N.
Identifiers: ClinVar variation 2806967 (VCV002806967.3), dbSNP rs142265810, ClinGen allele CA10410755.
Genomic context (GRCh38, chrX:49,222,969, plus strand): 5'-CCATGGTCTCCAGATCCTACCTGAAAGACAGTGAGGAGGGCCTGGGGGAACGTGTCAAAG[G>T]TGCTTCGCTTGGTGTGGGTCTGGTCAAAGTTGAACTTGCCCCCAAACAGCTGCATGCCAA-3'
Protein context (NP_001243718.1, residues 672-692): NFDQTHTKRS[Thr682Asn]FDTFPQALLT

ClinVar aggregate classification (germline): Uncertain significance (1 of 4 stars; one submission).

Allele frequency attached by ClinVar (database versions not stated): gnomAD exomes 0.00001; ExAC 0.00002; TOPMed 0.00002; ESP Exome Variant Server 0.00009.

Submission:

Labcorp Genetics (formerly Invitae), Labcorp
Classification: Uncertain significance. Last evaluated: 2024-01-29. Review status: criteria provided, single submitter. Criteria: Invitae Variant Classification Sherloc (09022015). Collection method: clinical testing. Allele origin: germline.
Comment: This sequence change replaces threonine, which is neutral and polar, with asparagine, which is neutral and polar, at codon 693 of the CACNA1F protein (p.Thr693Asn). This variant is present in population databases (rs142265810, gnomAD 0.001%). This variant has not been reported in the literature in individuals affected with CACNA1F-related conditions. Advanced modeling of protein sequence and biophysical properties (such as structural, functional, and spatial information, amino acid conservation, physicochemical variation, residue mobility, and thermodynamic stability) performed at Invitae indicates that this missense variant is not expected to disrupt CACNA1F protein function with a negative predictive value of 80%. In summary, the available evidence is currently insufficient to determine the role of this variant in disease. Therefore, it has been classified as a Variant of Uncertain Significance.